The following is an entry in ClinVar:

NM_000088.4(COL1A1):c.3896G>T (p.Cys1299Phe)

Gene: COL1A1 (collagen type I alpha 1 chain; minus strand). Cytogenetic location: 17q21.33.
Variant type: single nucleotide variant.
Coding change: c.3896G>T on transcript NM_000088.4 (MANE Select); coding-DNA position 3896, G replaced by T.
Protein change: p.Cys1299Phe; replaces cysteine 1299 with phenylalanine.
Molecular consequence: missense variant.
Genome position (GRCh38, 1-based): chr17:50,186,426, C>A on the plus strand (G>T on the coding strand, the complement: COL1A1 is on the minus strand). VCF-style: chr17-50186426-C-A. GRCh37 (hg19) VCF-style: chr17-48263787-C-A.
Other names: short protein forms C1299F.
Identifiers: ClinVar variation 3895348 (VCV003895348.1).
Genomic context (GRCh38, chr17:50,186,426, plus strand): 5'-TTGGGGTTCTTGCTGATGTACCAGTTCTTCTGGGCCACACTGGGCTGAGTGGGGTACACG[C>A]AGGTCTCACCAGTCTCCATGTTGCAGAAGACTTTGATGGCATCCAGGTTGCAGCCTTGGT-3'
Protein context (NP_000079.2, residues 1289-1309): VFCNMETGET[Cys1299Phe]VYPTQPSVAQ

ClinVar aggregate classification (germline): Uncertain significance (1 of 4 stars; one submission).

Conditions:
Cardiovascular phenotype. Identifiers: MedGen CN230736.

Submission:

Molecular Diagnostic Laboratory for Inherited Cardiovascular Disease, Montreal Heart Institute
Classification: Uncertain significance for Cardiovascular phenotype. Last evaluated: 2025-04-09. Review status: criteria provided, single submitter. Criteria: ACMG Guidelines, 2015. Collection method: clinical testing. Allele origin: germline. Affected: yes.
Comment: PM2, PM5_supp, PP3